The following is an entry in ClinVar:

ClinVar aggregate classification (germline): Uncertain significance (1 of 4 stars; one submission).

Conditions:
Congenital contractural arachnodactyly (CCA). Also called: Arthrogryposis, distal, type 9; BEALS SYNDROME; Beals-Hecht syndrome. Identifiers: Orphanet 115, MedGen C0220668, MONDO:0007363, OMIM 121050.

Submission:

Labcorp Genetics (formerly Invitae), Labcorp
Classification: Uncertain significance for Congenital contractural arachnodactyly. Last evaluated: 2024-04-03. Review status: criteria provided, single submitter. Criteria: Invitae Variant Classification Sherloc (09022015). Collection method: clinical testing. Allele origin: germline.
Comment: This sequence change replaces glycine, which is neutral and non-polar, with arginine, which is basic and polar, at codon 2046 of the FBN2 protein (p.Gly2046Arg). This variant is not present in population databases (gnomAD no frequency). This variant has not been reported in the literature in individuals affected with FBN2-related conditions. Advanced modeling of protein sequence and biophysical properties (such as structural, functional, and spatial information, amino acid conservation, physicochemical variation, residue mobility, and thermodynamic stability) performed at Invitae indicates that this missense variant is expected to disrupt FBN2 protein function with a positive predictive value of 80%. In summary, the available evidence is currently insufficient to determine the role of this variant in disease. Therefore, it has been classified as a Variant of Uncertain Significance.

NM_001999.4(FBN2):c.6136G>C (p.Gly2046Arg)

Gene: FBN2 (fibrillin 2; minus strand). Cytogenetic location: 5q23.3.
Variant type: single nucleotide variant.
Coding change: c.6136G>C on transcript NM_001999.4 (MANE Select); coding-DNA position 6136, G replaced by C.
Protein change: p.Gly2046Arg; replaces glycine 2046 with arginine.
Molecular consequence: missense variant.
Genome position (GRCh38, 1-based): chr5:128,300,847, C>G on the plus strand (G>C on the coding strand, the complement: FBN2 is on the minus strand). VCF-style: chr5-128300847-C-G. GRCh37 (hg19) VCF-style: chr5-127636539-C-G.
Other names: short protein forms G2046R.
Identifiers: ClinVar variation 3620327 (VCV003620327.2).